The following is an entry in ClinVar:

NM_014363.6(SACS):c.11039T>C (p.Ile3680Thr)

Gene: SACS (sacsin molecular chaperone; minus strand). Cytogenetic location: 13q12.12.
Variant type: single nucleotide variant.
Coding change: c.11039T>C on transcript NM_014363.6 (MANE Select); coding-DNA position 11039, T replaced by C.
Protein change: p.Ile3680Thr; replaces isoleucine 3680 with threonine.
Molecular consequence: missense variant.
Genome position (GRCh38, 1-based): chr13:23,332,837, A>G on the plus strand (T>C on the coding strand, the complement: SACS is on the minus strand). VCF-style: chr13-23332837-A-G. GRCh37 (hg19) VCF-style: chr13-23906976-A-G.
Other names: c.11039T>C (NM_014363.4); c.10598T>C, p.Ile3533Thr (NM_001278055.2); short protein forms I3533T, I3680T.
Identifiers: ClinVar variation 2064730 (VCV002064730.6), dbSNP rs754184596, ClinGen allele CA246651788.
Genomic context (GRCh38, chr13:23,332,837, plus strand): 5'-AACAGCTGGAGTACATCACATTGCTTGAATTTTGGATTTACCTGTGCTCCATTGAACTTT[A>G]TAAGAGGAAGTGTTCCATTTACCTCTTGATATTGAGGATGAAATCTAATGAATTCCGCGG-3'
Protein context (NP_055178.3, residues 3670-3690): YQEVNGTLPL[Ile3680Thr]KFNGAQVNPK

ClinVar aggregate classification (germline): Conflicting classifications of pathogenicity. Review status: criteria provided, conflicting classifications (1 of 4 stars). 3 submissions from 3 submitters: Uncertain significance (2); Likely benign (1). Last evaluated 2026-01-28.

Conditions:
Inborn genetic diseases. Identifiers: MedGen C0950123, MeSH D030342.
Spastic paraplegia. Identifiers: MedGen C0037772, HP:0001258.

Allele frequency attached by ClinVar (database versions not stated): TOPMed 0.00005; gnomAD 0.00005.
gnomAD v4.1: 54 of 1,613,732 alleles (0.0033%); highest among the groups gnomAD compares: African/African-American, 0.012%; no homozygotes.

Submissions (3):

Women's Health and Genetics/Laboratory Corporation of America, LabCorp
Classification: Uncertain significance. Last evaluated: 2026-01-28. Review status: criteria provided, single submitter. Criteria: LabCorp Variant Classification Summary - May 2015. Collection method: clinical testing. Allele origin: germline.
Comment: Variant summary: SACS c.11039T>C (p.Ile3680Thr) results in a non-conservative amino acid change in the encoded protein sequence. Algorithms developed to predict the effect of missense changes on protein structure and function all suggest that this variant is likely to be disruptive. The variant was absent in 250584 control chromosomes. The available data on variant occurrences in the general population are insufficient to allow any conclusion about variant significance. To our knowledge, no occurrence of c.11039T>C in individuals affected with SACS-related conditions and no experimental evidence demonstrating its impact on protein function have been reported. ClinVar contains an entry for this variant (Variation ID: 2064730). Based on the evidence outlined above, the variant was classified as uncertain significance.

Ambry Genetics
Classification: Uncertain significance for Inborn genetic diseases. Last evaluated: 2025-01-03. Review status: criteria provided, single submitter. Criteria: Ambry Variant Classification Scheme 2023. Collection method: clinical testing. Allele origin: germline.

Labcorp Genetics (formerly Invitae), Labcorp
Classification: Likely benign for Spastic paraplegia. Last evaluated: 2024-10-24. Review status: criteria provided, single submitter. Criteria: Invitae Variant Classification Sherloc (09022015). Collection method: clinical testing. Allele origin: germline.